The following is an entry in ClinVar:

ClinVar aggregate classification (germline): Conflicting classifications of pathogenicity. Review status: criteria provided, conflicting classifications (1 of 4 stars). 4 submissions from 4 submitters: Likely pathogenic (1); Uncertain significance (3). Last evaluated 2025-10-24.

Conditions:
Renal tubular dysgenesis of genetic origin. Also called: PRIMITIVE RENAL TUBULE SYNDROME. Identifiers: Orphanet 97369, MedGen C5681536, MONDO:0009970, OMIM 267430.
Essential hypertension, genetic (EHT). Identifiers: MedGen CN305331, MONDO:0007781, OMIM 145500.
Inborn genetic diseases. Identifiers: MedGen C0950123, MeSH D030342.

Allele frequency attached by ClinVar (database versions not stated): ExAC 0.00004; 1000 Genomes Project 30x 0.00031; TOPMed below 0.00001; gnomAD 0.00001; 1000 Genomes Project 0.00020; gnomAD exomes 0.00003.

Submissions (4):

Mendelics
Classification: Likely pathogenic for Renal tubular dysgenesis of genetic origin. Last evaluated: 2025-10-24. Review status: criteria provided, single submitter. Criteria: Mendelics Assertion Criteria 2019. Collection method: clinical testing. Allele origin: germline.
Comment: Variant NM_000685.5(AGTR1):c.419G>A (p.Arg140His) has GnomAD v4.1.0 frequency of 0.00001552 with 25 heterozygotes and zero homozygotes. In silico predictors (CADD, PolyPhen) indicate pathogenicity. This variant was reported with SCV002517539.1 (in trans, pathogenic, loss of function) for a subject presenting Renal tubular dysgenesis.

Ambry Genetics
Classification: Uncertain significance for Inborn genetic diseases. Last evaluated: 2025-03-19. Review status: criteria provided, single submitter. Criteria: Ambry Variant Classification Scheme 2023. Collection method: clinical testing. Allele origin: germline.

Dasa
Classification: Uncertain significance. Last evaluated: 2025-01-17. Review status: criteria provided, single submitter. Criteria: DASA Assertion Criteria. Collection method: clinical testing. Allele origin: germline.
Comment: NM_000685.5(AGTR1):c.419G>A (p.Arg140His) is a missense variant that results in the substitution of arginine with histidine. This variant is rare in population databases. Computational prediction algorithms are consistent with a deleterious effect. The currently available literature and clinical evidence are not sufficient to establish a definitive association between this variant and the reported condition. Therefore, this variant is classified as a variant of uncertain significance.

Fulgent Genetics
Classification: Uncertain significance for Essential hypertension, genetic; Renal tubular dysgenesis of genetic origin. Last evaluated: 2024-05-27. Review status: criteria provided, single submitter. Criteria: ACMG Guidelines, 2015. Collection method: clinical testing. Allele origin: germline.

NM_000685.5(AGTR1):c.419G>A (p.Arg140His)

Gene: AGTR1 (angiotensin II receptor type 1; plus strand). Cytogenetic location: 3q24.
Variant type: single nucleotide variant.
Coding change: c.419G>A on transcript NM_000685.5 (MANE Select); coding-DNA position 419, G replaced by A.
Protein change: p.Arg140His; replaces arginine 140 with histidine.
Molecular consequence: missense variant.
Genome position (GRCh38, 1-based): chr3:148,741,454, G>A. VCF-style: chr3-148741454-G-A. GRCh37 (hg19) VCF-style: chr3-148459241-G-A.
Other names: c.419G>A (NM_031850.2); c.419G>A, p.Arg140His (NM_001382736.1, NM_001382737.1, NM_004835.5 and 3 more transcripts); c.524G>A (NM_031850.3); short protein forms R140H.
Identifiers: ClinVar variation 1685513 (VCV001685513.6), dbSNP rs570056677, ClinGen allele CA2657330.
Genomic context (GRCh38, chr3:148,741,454, plus strand): 5'-CGTGTCTCAGCATTGATCGATACCTGGCTATTGTTCACCCAATGAAGTCCCGCCTTCGAC[G>A]CACAATGCTTGTAGCCAAAGTCACCTGCATCATCATTTGGCTGCTGGCAGGCTTGGCCAG-3'
Protein context (NP_000676.1, residues 130-150): IVHPMKSRLR[Arg140His]TMLVAKVTCI